The following is an entry in ClinVar:

NM_001035.3(RYR2):c.14590+6T>C

Gene: RYR2 (ryanodine receptor 2; plus strand). Cytogenetic location: 1q43.
Variant type: single nucleotide variant.
Coding change: c.14590+6T>C on transcript NM_001035.3 (MANE Select); 6 bases into the intron after coding-DNA position 14590, T replaced by C.
Molecular consequence: intron variant.
Genome position (GRCh38, 1-based): chr1:237,819,198, T>C. VCF-style: chr1-237819198-T-C. GRCh37 (hg19) VCF-style: chr1-237982498-T-C.
Identifiers: ClinVar variation 2129900 (VCV002129900.4), dbSNP rs2528297910, ClinGen allele CA2580062485.

ClinVar aggregate classification (germline): Uncertain significance (1 of 4 stars; one submission).

Conditions:
Catecholaminergic polymorphic ventricular tachycardia 1. Also called: VENTRICULAR TACHYCARDIA, CATECHOLAMINERGIC POLYMORPHIC, 1, WITH OR WITHOUT ATRIAL DYSFUNCTION AND/OR DILATED CARDIOMYOPATHY; VENTRICULAR TACHYCARDIA, STRESS-INDUCED POLYMORPHIC 1; RYR2-Related Catecholaminergic Polymorphic Ventricular Tachycardia. Identifiers: Orphanet 3286, MedGen C1631597, MONDO:0011484, OMIM 604772.

Submission:

Labcorp Genetics (formerly Invitae), Labcorp
Classification: Uncertain significance for Catecholaminergic polymorphic ventricular tachycardia 1. Last evaluated: 2022-04-24. Review status: criteria provided, single submitter. Criteria: Invitae Variant Classification Sherloc (09022015). Collection method: clinical testing. Allele origin: germline.
Comment: This variant has not been reported in the literature in individuals affected with RYR2-related conditions. This variant is not present in population databases (gnomAD no frequency). This sequence change falls in intron 101 of the RYR2 gene. It does not directly change the encoded amino acid sequence of the RYR2 protein. It affects a nucleotide within the consensus splice site. Variants that disrupt the consensus splice site are a relatively common cause of aberrant splicing (PMID: 17576681, 9536098). Algorithms developed to predict the effect of sequence changes on RNA splicing suggest that this variant is not likely to affect RNA splicing. In summary, the available evidence is currently insufficient to determine the role of this variant in disease. Therefore, it has been classified as a Variant of Uncertain Significance.

Literature cited by the submitters: PubMed 17576681; PubMed 9536098.